The following is an entry in ClinVar:

NM_173495.3(PTCHD1):c.1364C>T (p.Ala455Val)

Gene: PTCHD1 (patched domain containing 1; plus strand). Cytogenetic location: Xp22.11.
Variant type: single nucleotide variant.
Coding change: c.1364C>T on transcript NM_173495.3 (MANE Select); coding-DNA position 1364, C replaced by T.
Protein change: p.Ala455Val; replaces alanine 455 with valine.
Molecular consequence: missense variant.
Genome position (GRCh38, 1-based): chrX:23,392,882, C>T. VCF-style: chrX-23392882-C-T. GRCh37 (hg19) VCF-style: chrX-23410999-C-T.
Other names: short protein forms A455V.
Identifiers: ClinVar variation 1770900 (VCV001770900.2), dbSNP rs770571292, ClinGen allele CA10369156.

ClinVar aggregate classification (germline): Uncertain significance (1 of 4 stars; one submission).

Conditions:
Inborn genetic diseases. Identifiers: MedGen C0950123, MeSH D030342.

Allele frequency attached by ClinVar (database versions not stated): gnomAD exomes below 0.00001; ExAC 0.00001; gnomAD 0.00001; TOPMed 0.00001.

Submission:

Ambry Genetics
Classification: Uncertain significance for Inborn genetic diseases. Last evaluated: 2018-11-10. Review status: criteria provided, single submitter. Criteria: Ambry Variant Classification Scheme 2023. Collection method: clinical testing. Allele origin: germline.
Comment: The p.A455V variant (also known as c.1364C>T), located in coding exon 3 of the PTCHD1 gene, results from a C to T substitution at nucleotide position 1364. The alanine at codon 455 is replaced by valine, an amino acid with similar properties. This amino acid position is well conserved in available vertebrate species. In addition, the in silico prediction for this alteration is inconclusive. Since supporting evidence is limited at this time, the clinical significance of this alteration remains unclear.